The following is an entry in ClinVar:

NM_000051.4(ATM):c.3302A>C (p.Lys1101Thr)

Gene: ATM (ATM serine/threonine kinase; plus strand). Cytogenetic location: 11q22.3.
Variant type: single nucleotide variant.
Coding change: c.3302A>C on transcript NM_000051.4 (MANE Select); coding-DNA position 3302, A replaced by C.
Protein change: p.Lys1101Thr; replaces lysine 1101 with threonine.
Molecular consequence: missense variant.
Genome position (GRCh38, 1-based): chr11:108,279,508, A>C. VCF-style: chr11-108279508-A-C. GRCh37 (hg19) VCF-style: chr11-108150235-A-C.
Other names: c.3302A>C, p.Lys1101Thr (NM_001351834.2); short protein forms K1101T.
Identifiers: ClinVar variation 2821603 (VCV002821603.3), dbSNP rs2546861675, ClinGen allele CA382517341.

ClinVar aggregate classification (germline): Uncertain significance (1 of 4 stars; one submission).

Conditions:
Ataxia-telangiectasia syndrome (AT). Also called: ATAXIA-TELANGIECTASIA, COMPLEMENTATION GROUP A; Ataxia telangiectasia (A-T); Cerebello-oculocutaneous telangiectasia; Immunodeficiency with ataxia telangiectasia; LOUIS-BAR SYNDROME; ATAXIA-TELANGIECTASIA, FRESNO VARIANT. Identifiers: Orphanet 100, MedGen C0004135, MONDO:0008840, OMIM 208900.

Submission:

Labcorp Genetics (formerly Invitae), Labcorp
Classification: Uncertain significance for Ataxia-telangiectasia syndrome. Last evaluated: 2023-02-25. Review status: criteria provided, single submitter. Criteria: Invitae Variant Classification Sherloc (09022015). Collection method: clinical testing. Allele origin: germline.
Comment: In summary, the available evidence is currently insufficient to determine the role of this variant in disease. Therefore, it has been classified as a Variant of Uncertain Significance. Algorithms developed to predict the effect of missense changes on protein structure and function output the following: SIFT: "Not Available"; PolyPhen-2: "Benign"; Align-GVGD: "Not Available". The threonine amino acid residue is found in multiple mammalian species, which suggests that this missense change does not adversely affect protein function. This variant has not been reported in the literature in individuals affected with ATM-related conditions. This variant is not present in population databases (gnomAD no frequency). This sequence change replaces lysine, which is basic and polar, with threonine, which is neutral and polar, at codon 1101 of the ATM protein (p.Lys1101Thr).